The following is an entry in ClinVar:

ClinVar aggregate classification (germline): Likely benign. Review status: criteria provided, single submitter (1 of 4 stars). 2 submissions from 2 submitters: Likely benign (1). 1 of the submissions does not count toward it. Last evaluated 2024-02-22.

Conditions:
ROGDI-related disorder. Also called: ROGDI-related condition.

gnomAD v4.1: 2 of 1,558,866 alleles (0.00013%); highest among the groups gnomAD compares: South Asian, 0.0012%; no homozygotes.

Submissions (2):

Blueprint Genetics
Classification: Likely benign. Last evaluated: 2024-02-22. Review status: criteria provided, single submitter. Criteria: ACMG Guidelines, 2015. Collection method: clinical testing. Allele origin: germline.

PreventionGenetics, part of Exact Sciences
Classification: Likely benign for ROGDI-related condition. Last evaluated: 2023-07-08. Review status: no assertion criteria provided. Collection method: clinical testing. Allele origin: germline. Not counted in ClinVar's aggregate classification.
Comment: This variant is classified as likely benign based on ACMG/AMP sequence variant interpretation guidelines (Richards et al. 2015 PMID: 25741868, with internal and published modifications).

NM_024589.3(ROGDI):c.318G>A (p.Lys106=)

Gene: ROGDI (rogdi atypical leucine zipper; minus strand). Cytogenetic location: 16p13.3.
Variant type: single nucleotide variant.
Coding change: c.318G>A on transcript NM_024589.3 (MANE Select); coding-DNA position 318, G replaced by A.
Protein change: p.Lys106=; no amino-acid change (lysine 106 retained).
Molecular consequence: synonymous variant. On other transcripts: non-coding transcript variant (1).
Genome position (GRCh38, 1-based): chr16:4,800,516, C>T on the plus strand (G>A on the coding strand, the complement: ROGDI is on the minus strand). VCF-style: chr16-4800516-C-T. GRCh37 (hg19) VCF-style: chr16-4850517-C-T.
Identifiers: ClinVar variation 3035792 (VCV003035792.3), dbSNP rs1239643038, ClinGen allele CA493320472.
Genomic context (GRCh38, chr16:4,800,516, plus strand): 5'-CTGTCCTTGTGGCTGAGCACTAGCCAGGAGGGGCGGGGTCACCTGCTGCAGCTTCCACTG[C>T]TTGTCCTCCCGGAAGGCGAAGTGCAGCAGCTGGTTGTTCCGGGGCATCTTCAGGTTCACA-3'
Protein context (NP_078865.1, residues 96-116): QLLHFAFRED[Lys106=]QWKLQQIQDA